The following is an entry in ClinVar:

ClinVar aggregate classification (germline): Pathogenic. Review status: reviewed by expert panel (3 of 4 stars). 16 submissions from 16 submitters: Pathogenic (1). 15 of the submissions do not count toward it. Last evaluated 2016-09-08.

Conditions:
Hereditary cancer-predisposing syndrome. Also called: Hereditary Cancer Syndrome; Hereditary neoplastic syndrome; Neoplastic Syndromes, Hereditary; Tumor predisposition. Identifiers: Orphanet 140162, MedGen C0027672, MeSH D009386, MONDO:0015356.
Inherited breast cancer and ovarian cancer.
Breast-ovarian cancer, familial, susceptibility to, 1 (BROVCA1). Also called: BRCA1 Hereditary Breast and Ovarian Cancer; OVARIAN CANCER, SUSCEPTIBILITY TO. Identifiers: Orphanet 145, MedGen C2676676, MONDO:0011450, OMIM 604370. Disease mechanism: loss of function.
Gastric cancer. Also called: Malignant tumor of stomach; Stomach cancer. Identifiers: MedGen C0024623, MeSH D013274, MONDO:0001056, OMIM 613659, HP:0012126.
Hereditary breast ovarian cancer syndrome. Also called: BRCA1- and BRCA2-Associated Hereditary Breast and Ovarian Cancer; Hereditary breast and ovarian cancer syndrome; Hereditary breast and ovarian cancer syndrome (HBOC); Breast and ovarian cancer; Hereditary breast and/or ovarian cancer syndrome; Hereditary breast and ovarian cancer. Identifiers: Orphanet 145, MedGen C0677776, MeSH D061325, MONDO:0003582. Disease mechanism: loss of function.

Submissions (16):

Evidence-based Network for the Interpretation of Germline Mutant Alleles (ENIGMA)
Classification: Pathogenic for Breast-ovarian cancer, familial, susceptibility to, 1. Last evaluated: 2016-09-08. Review status: reviewed by expert panel. Criteria: ENIGMA BRCA1/2 Classification Criteria (2015). Collection method: curation. Allele origin: germline.
Comment: Variant allele predicted to encode a truncated non-functional protein.

Dasa
Classification: Pathogenic for Breast-ovarian cancer, familial, susceptibility to, 1. Last evaluated: 2026-04-03. Review status: criteria provided, single submitter. Criteria: DASA Assertion Criteria. Collection method: clinical testing. Allele origin: germline. Not counted in ClinVar's aggregate classification.
Comment: NM_007294.4(BRCA1):c.3544C>T (p.Gln1182*) introduces a premature termination codon predicted to result in loss of normal protein function. Loss-of-function is an established mechanism of disease for this gene. Based on the available data, this variant is classified as pathogenic.

Genetics Laboratory, Great Ormond Street Hospital NHS Foundation Trust, North Thames Genomic Laboratory Hub
Classification: Pathogenic for Inherited breast cancer and ovarian cancer. Last evaluated: 2026-02-07. Review status: criteria provided, single submitter. Criteria: CanVIG BRCA Gene Specific V1.22. Collection method: clinical testing. Allele origin: germline. Affected: yes. Not counted in ClinVar's aggregate classification.
Comment: PS4_moderate, PM2_moderate, PVS1_very-strong

Labcorp Genetics (formerly Invitae), Labcorp
Classification: Pathogenic for Hereditary breast ovarian cancer syndrome. Last evaluated: 2025-07-13. Review status: criteria provided, single submitter. Criteria: Invitae Variant Classification Sherloc (09022015). Collection method: clinical testing. Allele origin: germline. Not counted in ClinVar's aggregate classification.
Comment: This sequence change creates a premature translational stop signal (p.Gln1182*) in the BRCA1 gene. It is expected to result in an absent or disrupted protein product. Loss-of-function variants in BRCA1 are known to be pathogenic (PMID: 20104584). This variant is not present in population databases (gnomAD no frequency). This premature translational stop signal has been observed in individual(s) with clinical features of hereditary breast and ovarian cancer syndrome (PMID: 29339979, 29446198, 29907814, 30287823). ClinVar contains an entry for this variant (Variation ID: 54913). For these reasons, this variant has been classified as Pathogenic.

Quest Diagnostics Nichols Institute San Juan Capistrano
Classification: Pathogenic. Last evaluated: 2025-06-23. Review status: criteria provided, single submitter. Criteria: Quest Diagnostics criteria. Collection method: clinical testing. Allele origin: unknown. Not counted in ClinVar's aggregate classification.
Comment: The BRCA1 c.3544C>T (p.Gln1182*) variant causes the premature termination of BRCA1 protein synthesis. This variant has been reported in the published literature in individuals with breast and/or ovarian cancer (PMIDs: 30287823 (2018), 35957908 (2022), 36367610 (2023), and 37563628 (2023)). This variant has not been reported in large, multi-ethnic general populations (Genome Aggregation Database). Based on the available information, this variant is classified as pathogenic.

Ambry Genetics
Classification: Pathogenic for Hereditary cancer-predisposing syndrome. Last evaluated: 2024-12-04. Review status: criteria provided, single submitter. Criteria: Ambry Variant Classification Scheme 2023. Collection method: clinical testing. Allele origin: germline. Not counted in ClinVar's aggregate classification.
Comment: The p.Q1182* pathogenic mutation (also known as c.3544C>T), located in coding exon 9 of the BRCA1 gene, results from a C to T substitution at nucleotide position 3544. This changes the amino acid from a glutamine to a stop codon within coding exon 9. This alteration has been reported in multiple large studies of BRCA1/2 mutation positive families, including individuals from Norway, Brazil, Japan, Turkey, and Bulgaria (Rebbeck TR et al. Hum. Mutat., 2018 05;39:593-620; Heramb C et al. Hered Cancer Clin Pract, 2018 Jan;16:3; Palmero EI et al. Sci Rep, 2018 06;8:9188;Momozawa Y et al. Nat Commun, 2018 10;9:4083; Laitman Y et al. Hum. Mutat., 2019 11;40:e1-e23). In addition to the clinical data presented in the literature, this alteration is expected to result in loss of function by premature protein truncation or nonsense-mediated mRNA decay. As such, this alteration is interpreted as a disease-causing mutation.

Baylor Genetics
Classification: Pathogenic for Breast-ovarian cancer, familial, susceptibility to, 1. Last evaluated: 2024-03-29. Review status: criteria provided, single submitter. Criteria: ACMG Guidelines, 2015. Collection method: clinical testing. Allele origin: unknown. Not counted in ClinVar's aggregate classification.

Consortium of Investigators of Modifiers of BRCA1/2 (CIMBA), c/o University of Cambridge
Classification: Pathogenic for Breast-ovarian cancer, familial, susceptibility to, 1. Last evaluated: 2015-10-02. Review status: criteria provided, single submitter. Criteria: CIMBA Mutation Classification guidelines May 2016. Collection method: clinical testing. Allele origin: germline. Not counted in ClinVar's aggregate classification.

Department of Medical Genetics, Oslo University Hospital
Classification: Pathogenic for Breast-ovarian cancer, familial, susceptibility to, 1. Last evaluated: 2015-07-01. Review status: criteria provided, single submitter. Criteria: ACMG Guidelines, 2015. Collection method: clinical testing. Allele origin: germline. Affected: yes. Observed: 1 variant allele. Not counted in ClinVar's aggregate classification.

Genesis Genomics
Classification: Pathogenic for Breast-ovarian cancer, familial, susceptibility to, 1. Review status: criteria provided, single submitter. Criteria: ACMG Guidelines, 2015. Collection method: clinical testing. Allele origin: germline. Affected: yes. Observed: 1 variant allele. Not counted in ClinVar's aggregate classification.

KCCC/NGS Laboratory, Kuwait Cancer Control Center
Classification: Pathogenic for Breast-ovarian cancer, familial, susceptibility to, 1. Last evaluated: 2023-05-05. Review status: no assertion criteria provided. Collection method: clinical testing. Allele origin: germline. Affected: yes. Not counted in ClinVar's aggregate classification.
Comment: A known pathogenic mutation in the BRCA1 gene was detected in this specimen. This mutation (c.3544C>T) in exon 10 of BRCA1 gene results in a stop codon which causes a truncated non-functional protein. This mutation has 7 entries in ClinVar all of which are listed as pathogenic and not listed in ExAC database.

BRCAlab, Lund University
Classification: Pathogenic for Breast-ovarian cancer, familial, susceptibility to, 1. Last evaluated: 2022-08-26. Review status: no assertion criteria provided. Collection method: clinical testing. Allele origin: germline. Affected: yes. Not counted in ClinVar's aggregate classification.

Laboratory for Genotyping Development, RIKEN
Classification: Pathogenic for Gastric cancer. Last evaluated: 2021-07-01. Review status: no assertion criteria provided. Collection method: research. Allele origin: germline. Not counted in ClinVar's aggregate classification.

Research Molecular Genetics Laboratory, Women's College Hospital, University of Toronto
Classification: Pathogenic for Hereditary breast ovarian cancer syndrome. Last evaluated: 2014-01-31. Review status: no assertion criteria provided. Collection method: research. Allele origin: germline. Affected: yes. Study: The Canadian Open Genetics Repository (COGR). Not counted in ClinVar's aggregate classification.

Sharing Clinical Reports Project (SCRP)
Classification: Pathogenic for Breast-ovarian cancer, familial 1. Last evaluated: 2012-04-10. Review status: no assertion criteria provided. Collection method: clinical testing. Allele origin: germline. Not counted in ClinVar's aggregate classification.

Breast Cancer Information Core (BIC) (BRCA1)
Classification: Pathogenic for Breast-ovarian cancer, familial 1. Last evaluated: 2003-12-23. Review status: no assertion criteria provided. Collection method: clinical testing. Allele origin: germline. Affected: yes. Observed: 1 variant allele. Not counted in ClinVar's aggregate classification.

Literature cited by the submitters: PubMed 20104584 (cited by Labcorp Genetics (formerly Invitae), Labcorp and KCCC/NGS Laboratory, Kuwait Cancer Control Center); PubMed 29339979 (cited by Labcorp Genetics (formerly Invitae), Labcorp and Ambry Genetics); PubMed 29446198 (cited by Labcorp Genetics (formerly Invitae), Labcorp and Ambry Genetics); PubMed 29907814 (cited by Labcorp Genetics (formerly Invitae), Labcorp and Ambry Genetics); PubMed 30287823 (cited by 3 submitters); PubMed 31209999 (cited by Quest Diagnostics Nichols Institute San Juan Capistrano and Ambry Genetics); PubMed 35957908 (cited by Quest Diagnostics Nichols Institute San Juan Capistrano); PubMed 36367610 (cited by Quest Diagnostics Nichols Institute San Juan Capistrano); PubMed 32980694 (cited by Quest Diagnostics Nichols Institute San Juan Capistrano); PubMed 37563628 (cited by Quest Diagnostics Nichols Institute San Juan Capistrano); PubMed 36988593 (cited by Laboratory for Genotyping Development, RIKEN).

NM_007294.4(BRCA1):c.3544C>T (p.Gln1182Ter)

Genes: BRCA1 (BRCA1 DNA repair associated; minus strand), LOC126862571 (BRD4-independent group 4 enhancer GRCh37_chr17:41243136-41244335; plus strand). Cytogenetic location: 17q21.31.
Variant type: single nucleotide variant.
Coding change: c.3544C>T on transcript NM_007294.4 (MANE Select); coding-DNA position 3544, C replaced by T.
Protein change: p.Gln1182Ter; replaces glutamine 1182 with a stop codon.
Molecular consequence: nonsense. On other transcripts: intron variant (135).
Genome position (GRCh38, 1-based): chr17:43,091,987, G>A on the plus strand (C>T on the coding strand, the complement: BRCA1 is on the minus strand). VCF-style: chr17-43091987-G-A. GRCh37 (hg19) VCF-style: chr17-41244004-G-A.
Other names: 3663C>T; c.3544C>T (NM_007300.3); c.3331C>T, p.Gln1111Ter (NM_001407571.1, NM_001407853.1, NM_001407894.1 and 9 more transcripts); c.3544C>T, p.Gln1182Ter (NM_001407581.1, NM_001407582.1, NM_001407583.1 and 30 more transcripts); c.3541C>T, p.Gln1181Ter (NM_001407587.1, NM_001407590.1, NM_001407591.1 and 22 more transcripts); c.3535C>T, p.Gln1179Ter (NM_001407646.1, NM_001407647.1); c.3421C>T, p.Gln1141Ter (NM_001407648.1, NM_001407664.1, NM_001407665.1 and 19 more transcripts); c.3418C>T, p.Gln1140Ter (NM_001407649.1, NM_001407670.1, NM_001407671.1 and 11 more transcripts); and 43 more; short protein forms Q1182*, Q1135*, Q1054*, Q1055*, Q1093*, Q1115*, Q1155*, Q1014*.
Identifiers: ClinVar variation 54913 (VCV000054913.45), dbSNP rs80357296, ClinGen allele CA002266.
Genomic context (GRCh38, chr17:43,091,987, plus strand): 5'-AACCCTGAGCCAAATGTGTATGGGTGAAAGGGCTAGGACTCCTGCTAAGCTCTCCTTTCT[G>A]GACGCTTTTGCTAAAAACAGCAGAACTTTCCTTAATGTCATTTTCAGCAAAACTAGTATC-3'